The following is an entry in ClinVar:

NM_001366145.2(TRPM3):c.4628A>G (p.Tyr1543Cys)

Genes: KLF9-DT (KLF9 divergent transcript; plus strand), TRPM3 (transient receptor potential cation channel subfamily M member 3; minus strand). Cytogenetic location: 9q21.12.
Variant type: single nucleotide variant.
Coding change: c.4628A>G on transcript NM_001366145.2 (MANE Select); coding-DNA position 4628, A replaced by G.
Protein change: p.Tyr1543Cys; replaces tyrosine 1543 with cysteine.
Molecular consequence: missense variant. On other transcripts: intron variant (8).
Genome position (GRCh38, 1-based): chr9:70,536,485, T>C on the plus strand (A>G on the coding strand, the complement: TRPM3 is on the minus strand). VCF-style: chr9-70536485-T-C. GRCh37 (hg19) VCF-style: chr9-73151401-T-C.
Other names: c.4592A>G, p.Tyr1531Cys (NM_001007471.4); c.4598A>G, p.Tyr1533Cys (NM_001366141.2, NM_001366149.2); c.4703A>G, p.Tyr1568Cys (NM_001366147.2); c.4133A>G, p.Tyr1378Cys (NM_020952.6); c.4169A>G, p.Tyr1390Cys (NM_024971.7); c.4103A>G, p.Tyr1368Cys (NM_206944.5); c.4139A>G, p.Tyr1380Cys (NM_206945.5); c.4208A>G, p.Tyr1403Cys (NM_206946.5); and 9 more; short protein forms Y1368C, Y1378C, Y1380C, Y1390C, Y1393C, Y1403C, Y1531C, Y1533C.
Identifiers: ClinVar variation 3903347 (VCV003903347.1).

ClinVar aggregate classification (germline): Uncertain significance (1 of 4 stars; one submission).

gnomAD v4.1: 1 of 1,614,174 alleles (0.000062%); highest among the groups gnomAD compares: Non-Finnish European, 0.000085%; no homozygotes.

Submission:

GeneDx
Classification: Uncertain significance. Last evaluated: 2024-12-12. Review status: criteria provided, single submitter. Criteria: GeneDx Variant Classification Process June 2021. Collection method: clinical testing. Allele origin: germline. Affected: yes.
Comment: Not observed at significant frequency in large population cohorts (gnomAD); In silico analysis indicates that this missense variant does not alter protein structure/function; Has not been previously published as pathogenic or benign to our knowledge